The following is an entry in ClinVar:

NM_021267.5(CERS1):c.244T>C (p.Phe82Leu)

Genes: CERS1 (ceramide synthase 1; minus strand), GDF1 (growth differentiation factor 1; minus strand). Cytogenetic location: 19p13.11.
Variant type: single nucleotide variant.
Coding change: c.244T>C on transcript NM_021267.5 (MANE Select); coding-DNA position 244, T replaced by C.
Protein change: p.Phe82Leu; replaces phenylalanine 82 with leucine.
Molecular consequence: missense variant. On other transcripts: 5 prime UTR variant (4), intron variant (3).
Genome position (GRCh38, 1-based): chr19:18,895,829, A>G on the plus strand (T>C on the coding strand, the complement: CERS1 is on the minus strand). VCF-style: chr19-18895829-A-G. GRCh37 (hg19) VCF-style: chr19-19006638-A-G.
Other names: c.244T>C, p.Phe82Leu (NM_001387439.1, NM_001387440.1, NM_001387441.1 and 1 more transcripts); c.-285T>C (NM_001387444.1); c.-232T>C (NM_001387445.1); c.-659T>C (NM_001387438.1); c.-1079T>C (NM_001492.6); c.-46+897T>C (NM_001387443.1); c.-46+732T>C (NM_001387442.1, NM_001290265.2); short protein forms F82L.
Identifiers: ClinVar variation 651484 (VCV000651484.6), dbSNP rs977068016, ClinGen allele CA306258860.

ClinVar aggregate classification (germline): Uncertain significance (1 of 4 stars; one submission).

Conditions:
Progressive myoclonic epilepsy type 8. Identifiers: Orphanet 424027, MedGen C5190825, MONDO:0014545, OMIM 616230.

Allele frequency attached by ClinVar (database versions not stated): gnomAD 0.00001; TOPMed 0.00005.
gnomAD v4.1: 3 of 1,281,228 alleles (0.00023%); highest among the groups gnomAD compares: Admixed American, 0.013%; no homozygotes.

Submission:

Labcorp Genetics (formerly Invitae), Labcorp
Classification: Uncertain significance for Progressive myoclonic epilepsy type 8. Last evaluated: 2021-09-01. Review status: criteria provided, single submitter. Criteria: Invitae Variant Classification Sherloc (09022015). Collection method: clinical testing. Allele origin: germline.
Comment: This sequence change replaces phenylalanine with leucine at codon 82 of the CERS1 protein (p.Phe82Leu). The phenylalanine residue is moderately conserved and there is a small physicochemical difference between phenylalanine and leucine. The frequency data for this variant in the population databases is considered unreliable, as metrics indicate insufficient coverage at this position in the ExAC database. This variant has not been reported in the literature in individuals affected with CERS1-related conditions. Algorithms developed to predict the effect of missense changes on protein structure and function (SIFT, PolyPhen-2, Align-GVGD) all suggest that this variant is likely to be tolerated. In summary, the available evidence is currently insufficient to determine the role of this variant in disease. Therefore, it has been classified as a Variant of Uncertain Significance.